The following is an entry in ClinVar:

ClinVar aggregate classification (germline): Uncertain significance (1 of 4 stars; one submission).

Conditions:
46,XY sex reversal 11. Also called: ANORCHIA, FAMILIAL; TESTICULAR REGRESSION, EMBRYONIC; Testicular regression syndrome; Vanishing testis. Identifiers: Orphanet 983, MedGen C0266427, MONDO:8000015, OMIM 273250, HP:0012870.

Submission:

Victorian Clinical Genetics Services, Murdoch Childrens Research Institute
Classification: Uncertain significance for 46,XY sex reversal 11. Last evaluated: 2025-01-15. Review status: criteria provided, single submitter. Criteria: ACMG Guidelines, 2015. Collection method: clinical testing. Allele origin: germline. Affected: yes.
Comment: This variant is classified as VUS-3B. Evidence in support of pathogenic classification: Variant is absent from gnomAD (v2, v3 and v4). Additional information: Variant is predicted to result in a missense amino acid change from aspartic acid to glutamic acid; This variant is heterozygous; This gene is associated with both recessive and dominant disease. Monoallelic variants are associated with 46, XY sex reversal 11 (MIM#273250), while biallelic variants are associated with neurodevelopmental disorder with brain anomalies and with or without vertebral or cardiac anomalies (MIM#618731) (OMIM); Alternative amino acid change(s) at the same position are present in gnomAD (Highest allele count: v4: 1 heterozygote(s), 0 homozygote(s)); This variant has no previous evidence of pathogenicity; No published segregation evidence has been identified for this variant; No published functional evidence has been identified for this variant; No comparable missense variants have previous evidence for pathogenicity; Variant is located in the annotated DEAD/DEAH box helicase domain (DECIPHER); Missense variant with inconclusive in silico prediction and uninformative conservation; The mechanism of disease for this gene is not clearly established; Inheritance information for this variant is not currently available in this individual.

NM_032656.4(DHX37):c.1050T>G (p.Asp350Glu)

Gene: DHX37 (DEAH-box helicase 37; minus strand). Cytogenetic location: 12q24.31.
Variant type: single nucleotide variant.
Coding change: c.1050T>G on transcript NM_032656.4 (MANE Select); coding-DNA position 1050, T replaced by G.
Protein change: p.Asp350Glu; replaces aspartic acid 350 with glutamic acid.
Molecular consequence: missense variant.
Genome position (GRCh38, 1-based): chr12:124,972,530, A>C on the plus strand (T>G on the coding strand, the complement: DHX37 is on the minus strand). VCF-style: chr12-124972530-A-C. GRCh37 (hg19) VCF-style: chr12-125457076-A-C.
Other names: short protein forms D350E.
Identifiers: ClinVar variation 4531387 (VCV004531387.1).